The following is an entry in ClinVar:

NM_000350.3(ABCA4):c.237T>A (p.Asn79Lys)

Gene: ABCA4 (ATP binding cassette subfamily A member 4; minus strand). Cytogenetic location: 1p22.1.
Variant type: single nucleotide variant.
Coding change: c.237T>A on transcript NM_000350.3 (MANE Select); coding-DNA position 237, T replaced by A.
Protein change: p.Asn79Lys; replaces asparagine 79 with lysine.
Molecular consequence: missense variant.
Genome position (GRCh38, 1-based): chr1:94,111,503, A>T on the plus strand (T>A on the coding strand, the complement: ABCA4 is on the minus strand). VCF-style: chr1-94111503-A-T. GRCh37 (hg19) VCF-style: chr1-94577059-A-T.
Other names: c.237T>A, p.Asn79Lys (NM_001425324.1); short protein forms N79K.
Identifiers: ClinVar variation 2130039 (VCV002130039.5), dbSNP rs149381884, ClinGen allele CA341285484.

ClinVar aggregate classification (germline): Conflicting classifications of pathogenicity. Review status: criteria provided, conflicting classifications (1 of 4 stars). 2 submissions from 2 submitters: Pathogenic (1); Uncertain significance (1). Last evaluated 2024-06-17.

Submissions (2):

Labcorp Genetics (formerly Invitae), Labcorp
Classification: Pathogenic. Last evaluated: 2024-06-17. Review status: criteria provided, single submitter. Criteria: Invitae Variant Classification Sherloc (09022015). Collection method: clinical testing. Allele origin: germline.
Comment: This sequence change replaces asparagine, which is neutral and polar, with lysine, which is basic and polar, at codon 79 of the ABCA4 protein (p.Asn79Lys). This variant is not present in population databases (gnomAD no frequency). This missense change has been observed in individual(s) with Stargardt disease (Invitae). ClinVar contains an entry for this variant (Variation ID: 2130039). Advanced modeling of protein sequence and biophysical properties (such as structural, functional, and spatial information, amino acid conservation, physicochemical variation, residue mobility, and thermodynamic stability) performed at Invitae indicates that this missense variant is expected to disrupt ABCA4 protein function with a positive predictive value of 95%. For these reasons, this variant has been classified as Pathogenic.

Blueprint Genetics
Classification: Uncertain significance. Last evaluated: 2019-10-07. Review status: criteria provided, single submitter. Criteria: ACMG Guidelines, 2015. Collection method: clinical testing. Allele origin: germline.